The following is an entry in ClinVar:

ClinVar aggregate classification (germline): Pathogenic/Likely pathogenic. Review status: criteria provided, multiple submitters, no conflicts (2 of 4 stars). 3 submissions from 3 submitters: Pathogenic (1); Likely pathogenic (2). Last evaluated 2022-10-17.

Conditions:
Pitt-Hopkins-like syndrome 2 (PTHSL2). Identifiers: Orphanet 221150, Orphanet 600663, MedGen C3280479, MONDO:0013690, OMIM 614325.
NRXN1-related disorder.

Allele frequency attached by ClinVar (database versions not stated): gnomAD exomes below 0.00001; TOPMed below 0.00001; gnomAD 0.00001.
gnomAD v4.1: 2 of 1,600,288 alleles (0.00012%); highest among the groups gnomAD compares: Admixed American, 0.0017%; no homozygotes.

Submissions (3):

Labcorp Genetics (formerly Invitae), Labcorp
Classification: Pathogenic for Pitt-Hopkins-like syndrome 2. Last evaluated: 2022-10-17. Review status: criteria provided, single submitter. Criteria: Invitae Variant Classification Sherloc (09022015). Collection method: clinical testing. Allele origin: germline.
Comment: This sequence change creates a premature translational stop signal (p.Arg1293*) in the NRXN1 gene. It is expected to result in an absent or disrupted protein product. Loss-of-function variants in NRXN1 are known to be pathogenic (PMID: 19896112, 21964664, 23495017, 23533028, 25149956, 30031152). This variant is not present in population databases (gnomAD no frequency). This variant has not been reported in the literature in individuals affected with NRXN1-related conditions. ClinVar contains an entry for this variant (Variation ID: 451216). For these reasons, this variant has been classified as Pathogenic.

Blueprint Genetics
Classification: Likely pathogenic for NRXN1-related disorders. Last evaluated: 2019-06-04. Review status: criteria provided, single submitter. Criteria: ACMG Guidelines, 2015. Collection method: clinical testing. Allele origin: germline. Affected: yes. Observed: 1 variant allele.

GeneDx
Classification: Likely pathogenic. Last evaluated: 2018-04-05. Review status: criteria provided, single submitter. Criteria: GeneDx Variant Classification (06012015). Collection method: clinical testing. Allele origin: germline. Affected: yes.
Comment: A variant that is likely pathogenic has been identified in the NRXN1 gene. The R1293X variant has not been published as a pathogenic variant, nor has it been reported as a benign variant to our knowledge. The R1293X nonsense variant is predicted to cause loss of normal protein function either through protein truncation or nonsense-mediated mRNA decay. Furthermore, the R1293X variant is not observed in large population cohorts (Lek et al., 2016; 1000 Genomes Consortium et al., 2015; Exome Variant Server). Therefore, this variant is likely pathogenic; however, the possibility that it is benign cannot be excluded.

Literature cited by the submitters: PubMed 19896112 (cited by Labcorp Genetics (formerly Invitae), Labcorp); PubMed 21964664 (cited by Labcorp Genetics (formerly Invitae), Labcorp); PubMed 23495017 (cited by Labcorp Genetics (formerly Invitae), Labcorp); PubMed 23533028 (cited by Labcorp Genetics (formerly Invitae), Labcorp); PubMed 25149956 (cited by Labcorp Genetics (formerly Invitae), Labcorp); PubMed 30031152 (cited by Labcorp Genetics (formerly Invitae), Labcorp).

NM_001330078.2(NRXN1):c.3757C>T (p.Arg1253Ter)

Gene: NRXN1 (neurexin 1; minus strand). Cytogenetic location: 2p16.3.
Variant type: single nucleotide variant.
Coding change: c.3757C>T on transcript NM_001330078.2 (MANE Select); coding-DNA position 3757, C replaced by T.
Protein change: p.Arg1253Ter; replaces arginine 1253 with a stop codon.
Molecular consequence: nonsense. On other transcripts: intron variant (8).
Genome position (GRCh38, 1-based): chr2:50,055,006, G>A on the plus strand (C>T on the coding strand, the complement: NRXN1 is on the minus strand). VCF-style: chr2-50055006-G-A. GRCh37 (hg19) VCF-style: chr2-50282144-G-A.
Other names: c.3877C>T, p.Arg1293Ter (NM_001135659.3); c.3733C>T, p.Arg1245Ter (NM_001330077.2, NM_001330082.2); c.3691C>T, p.Arg1231Ter (NM_001330084.2); c.3730C>T, p.Arg1244Ter (NM_001330085.2); c.3757C>T, p.Arg1253Ter (NM_001330086.2); c.652C>T, p.Arg218Ter (NM_001330091.2, NM_001330092.2); c.3754C>T, p.Arg1252Ter (NM_001330093.2); c.3745C>T, p.Arg1249Ter (NM_001330094.2); and 6 more; short protein forms R1293*, R1244*, R1252*, R218*, R1249*, R1231*, R1245*, R1253*.
Identifiers: ClinVar variation 451216 (VCV000451216.8), dbSNP rs1201575289, ClinGen allele CA346820132.